The following is an entry in ClinVar:

ClinVar aggregate classification (germline): Likely pathogenic (1 of 4 stars; one submission).

Conditions:
Focal segmental glomerulosclerosis 3, susceptibility to (FSGS3). Identifiers: Orphanet 656, MedGen C1842982, MONDO:0011917, OMIM 607832.

Submission:

First Genomix Gene Laboratory, Genetic Diagnostics Department
Classification: Likely pathogenic for Focal segmental glomerulosclerosis 3, susceptibility to. Last evaluated: 2025-01-07. Review status: criteria provided, single submitter. Criteria: ACMG Guidelines, 2015. Collection method: clinical testing. Allele origin: germline. Inheritance: Autosomal recessive inheritance. Affected: no. Observed: 1 variant allele.

NM_012120.3(CD2AP):c.764del (p.Gln255fs)

Gene: CD2AP (CD2 associated protein; plus strand). Cytogenetic location: 6p12.3.
Variant type: Deletion.
Coding change: c.764del on transcript NM_012120.3 (MANE Select); coding-DNA position 764, one base deleted (A; older notation c.764delA).
Protein change: p.Gln255fs; shifts the reading frame from glutamine 255.
Molecular consequence: frameshift variant.
Genome position (GRCh38, 1-based): chr6:47,576,558, A deleted. VCF-style (leftmost placement, unchanged base first): chr6-47576557-CA-C. GRCh37 (hg19) VCF-style: chr6-47544293-CA-C.
Other names: c.764delA (NM_012120.3); short protein forms Q255fs.
Identifiers: ClinVar variation 4845711 (VCV004845711.1).